The following is an entry in ClinVar:

NM_007346.4(OGFR):c.1614A>G (p.Pro538=)

Gene: OGFR (opioid growth factor receptor; plus strand). Cytogenetic location: 20q13.33.
Variant type: single nucleotide variant.
Coding change: c.1614A>G on transcript NM_007346.4 (MANE Select); coding-DNA position 1614, A replaced by G.
Protein change: p.Pro538=; no amino-acid change (proline 538 retained).
Molecular consequence: synonymous variant.
Genome position (GRCh38, 1-based): chr20:62,813,229, A>G. VCF-style: chr20-62813229-A-G. GRCh37 (hg19) VCF-style: chr20-61444581-A-G.
Identifiers: ClinVar variation 4821253 (VCV004821253.4).

ClinVar aggregate classification (germline): Likely benign (1 of 4 stars; one submission).

Submission:

CeGaT Center for Human Genetics Tuebingen
Classification: Likely benign. Last evaluated: 2026-02-01. Review status: criteria provided, single submitter. Criteria: CeGaT Center For Human Genetics Tuebingen Variant Classification Criteria Version 2. Collection method: clinical testing. Allele origin: germline. Affected: yes. Observed: 1 variant allele.
Comment: OGFR: BP4, BP7